The following is an entry in ClinVar:

ClinVar aggregate classification (germline): Uncertain significance (1 of 4 stars; one submission).

Conditions:
Inborn genetic diseases. Identifiers: MedGen C0950123, MeSH D030342.

Submission:

Ambry Genetics
Classification: Uncertain significance for Inborn genetic diseases. Last evaluated: 2025-04-11. Review status: criteria provided, single submitter. Criteria: Ambry Variant Classification Scheme 2023. Collection method: clinical testing. Allele origin: germline.
Comment: The p.S254Y variant (also known as c.761C>A), located in coding exon 6 of the FANCG gene, results from a C to A substitution at nucleotide position 761. The serine at codon 254 is replaced by tyrosine, an amino acid with dissimilar properties. This amino acid position is conserved. In addition, this alteration is predicted to be tolerated by in silico analysis. Based on the available evidence, the clinical significance of this variant remains unclear.

NM_004629.2(FANCG):c.761C>A (p.Ser254Tyr)

Gene: FANCG (FA complementation group G; minus strand). Cytogenetic location: 9p13.3.
Variant type: single nucleotide variant.
Coding change: c.761C>A on transcript NM_004629.2 (MANE Select); coding-DNA position 761, C replaced by A.
Protein change: p.Ser254Tyr; replaces serine 254 with tyrosine.
Molecular consequence: missense variant.
Genome position (GRCh38, 1-based): chr9:35,076,987, G>T on the plus strand (C>A on the coding strand, the complement: FANCG is on the minus strand). VCF-style: chr9-35076987-G-T. GRCh37 (hg19) VCF-style: chr9-35076984-G-T.
Other names: short protein forms S254Y.
Identifiers: ClinVar variation 4022486 (VCV004022486.1).